The following is an entry in ClinVar:

ClinVar aggregate classification (germline): Uncertain significance (1 of 4 stars; one submission).

Submission:

Ambry Genetics
Classification: Uncertain significance. Last evaluated: 2025-04-07. Review status: criteria provided, single submitter. Criteria: Ambry Variant Classification Scheme 2023. Collection method: clinical testing. Allele origin: germline.
Comment: The p.H881Q variant (also known as c.2643T>A), located in coding exon 13 of the GEN1 gene, results from a T to A substitution at nucleotide position 2643. The histidine at codon 881 is replaced by glutamine, an amino acid with highly similar properties. This amino acid position is conserved. In addition, this alteration is predicted to be tolerated by in silico analysis. Based on the available evidence, the clinical significance of this variant remains unclear.

NM_001130009.3(GEN1):c.2643T>A (p.His881Gln)

Gene: GEN1 (GEN1 Holliday junction 5' flap endonuclease; plus strand). Cytogenetic location: 2p24.2.
Variant type: single nucleotide variant.
Coding change: c.2643T>A on transcript NM_001130009.3 (MANE Select); coding-DNA position 2643, T replaced by A.
Protein change: p.His881Gln; replaces histidine 881 with glutamine.
Molecular consequence: missense variant.
Genome position (GRCh38, 1-based): chr2:17,781,855, T>A. VCF-style: chr2-17781855-T-A. GRCh37 (hg19) VCF-style: chr2-17963122-T-A.
Other names: c.2643T>A, p.His881Gln (NM_182625.5); short protein forms H881Q.
Identifiers: ClinVar variation 2262438 (VCV002262438.3), dbSNP rs2545634969, ClinGen allele CA345928507.